The following is an entry in ClinVar:

ClinVar aggregate classification (germline): Uncertain significance. Review status: criteria provided, multiple submitters, no conflicts (2 of 4 stars). 2 submissions from 2 submitters: Uncertain significance (2). Last evaluated 2025-07-30.

Conditions:
Inborn genetic diseases. Identifiers: MedGen C0950123, MeSH D030342.
Early-infantile DEE. Also called: Early infantile epileptic encephalopathy with suppression bursts; Early infantile epileptic encephalopathy; Ohtahara syndrome. Identifiers: Orphanet 1934, MedGen C0393706, MONDO:0800491.

Allele frequency attached by ClinVar (database versions not stated): ExAC 0.00002; TOPMed 0.00003; gnomAD 0.00001.
gnomAD v4.1: 25 of 1,614,072 alleles (0.0015%); highest among the groups gnomAD compares: Middle Eastern, 0.016%; no homozygotes.

Submissions (2):

Labcorp Genetics (formerly Invitae), Labcorp
Classification: Uncertain significance for Early-infantile DEE. Last evaluated: 2025-07-30. Review status: criteria provided, single submitter. Criteria: Invitae Variant Classification Sherloc (09022015). Collection method: clinical testing. Allele origin: germline.
Comment: This sequence change replaces arginine, which is basic and polar, with glutamine, which is neutral and polar, at codon 1525 of the SPTAN1 protein (p.Arg1525Gln). This variant is present in population databases (rs746373075, gnomAD 0.01%). This variant has not been reported in the literature in individuals affected with SPTAN1-related conditions. ClinVar contains an entry for this variant (Variation ID: 1741585). Invitae Evidence Modeling of protein sequence and biophysical properties (such as structural, functional, and spatial information, amino acid conservation, physicochemical variation, residue mobility, and thermodynamic stability) has been performed for this missense variant. However, the output from this modeling did not meet the statistical confidence thresholds required to predict the impact of this variant on SPTAN1 protein function. In summary, the available evidence is currently insufficient to determine the role of this variant in disease. Therefore, it has been classified as a Variant of Uncertain Significance.

Ambry Genetics
Classification: Uncertain significance for Inborn genetic diseases. Last evaluated: 2017-09-21. Review status: criteria provided, single submitter. Criteria: Ambry Variant Classification Scheme 2023. Collection method: clinical testing. Allele origin: germline.
Comment: The p.R1525Q variant (also known as c.4574G>A), located in coding exon 34 of the SPTAN1 gene, results from a G to A substitution at nucleotide position 4574. The arginine at codon 1525 is replaced by glutamine, an amino acid with highly similar properties. This amino acid position is highly conserved in available vertebrate species. In addition, the in silico prediction for this alteration is inconclusive. Since supporting evidence is limited at this time, the clinical significance of this alteration remains unclear.

NM_001130438.3(SPTAN1):c.4574G>A (p.Arg1525Gln)

Gene: SPTAN1 (spectrin alpha, non-erythrocytic 1; plus strand). Cytogenetic location: 9q34.11.
Variant type: single nucleotide variant.
Coding change: c.4574G>A on transcript NM_001130438.3 (MANE Select); coding-DNA position 4574, G replaced by A.
Protein change: p.Arg1525Gln; replaces arginine 1525 with glutamine.
Molecular consequence: missense variant.
Genome position (GRCh38, 1-based): chr9:128,608,956, G>A. VCF-style: chr9-128608956-G-A. GRCh37 (hg19) VCF-style: chr9-131371235-G-A.
Other names: c.4610G>A, p.Arg1537Gln (NM_001375312.2, NM_001375318.1); c.4574G>A, p.Arg1525Gln (NM_001375313.1, NM_003127.4, NM_001363759.2 and 2 more transcripts); c.4514G>A, p.Arg1505Gln (NM_001375314.2, NM_001195532.2, NM_001363765.2); short protein forms R1525Q, R1537Q, R1505Q.
Identifiers: ClinVar variation 1741585 (VCV001741585.4), dbSNP rs746373075, ClinGen allele CA5265220.
Genomic context (GRCh38, chr9:128,608,956, plus strand): 5'-AGGCCTTTGCCGACCAGCTCATCGCTGCCGGCCATTATGCCAAGGGAGACATTTCTAGCC[G>A]GCGCAATGAGGTCTTGGACAGGTGGGTGTCCTGTGGCACTGACATAGTCACCAGCCCTGA-3'
Protein context (NP_001123910.1, residues 1515-1535): GHYAKGDISS[Arg1525Gln]RNEVLDRWRR